The following is an entry in ClinVar:

NM_003742.4(ABCB11):c.3614del (p.Pro1205fs)

Gene: ABCB11 (ATP binding cassette subfamily B member 11; minus strand). Cytogenetic location: 2q31.1.
Variant type: Deletion.
Coding change: c.3614del on transcript NM_003742.4 (MANE Select); coding-DNA position 3614, one base deleted (C; older notation c.3614delC).
Protein change: p.Pro1205fs; shifts the reading frame from proline 1205.
Molecular consequence: frameshift variant.
Genome position (GRCh38, 1-based): chr2:168,927,160, G deleted on the plus strand (C on the coding strand, the reverse complement: ABCB11 is on the minus strand); the first of 3 consecutive G bases (chr2:168,927,160-168,927,162); deleting any one gives the same sequence. VCF-style (leftmost placement, unchanged base first): chr2-168927159-TG-T. GRCh37 (hg19) VCF-style: chr2-169783669-TG-T.
Other names: short protein forms P1205fs.
Identifiers: ClinVar variation 4846113 (VCV004846113.1).

ClinVar aggregate classification (germline): Likely pathogenic (1 of 4 stars; one submission).

Conditions:
Familial intrahepatic cholestasis. Identifiers: Orphanet 284385, MedGen CN296401, MONDO:0017290.

Submission:

Genomenon, Inc
Classification: Likely pathogenic for Familial intrahepatic cholestasis. Last evaluated: 2026-04-14. Review status: criteria provided, single submitter. Criteria: Genomenon Sequence Variant Interpretation Standards - Updated. Collection method: curation. Allele origin: germline. Affected: yes.
Comment: ABCB11 p.Pro1205GlnfsTer38 (c.3614del) is a frameshift variant that results in the production of a truncated protein. This variant has been observed in at least one proband with an ABCB11-related disorder (PMID:29304564). It is absent or not present at a significant frequency in gnomAD. In conclusion, we classify ABCB11 p.Pro1205GlnfsTer38 (c.3614del) as a likely pathogenic variant.

Literature cited by the submitters: PubMed 29304564.